The following is an entry in ClinVar:

NM_001355436.2(SPTB):c.4038dup (p.Thr1347fs)

Gene: SPTB (spectrin beta, erythrocytic; minus strand). Cytogenetic location: 14q23.3.
Variant type: Duplication.
Coding change: c.4038dup on transcript NM_001355436.2 (MANE Select); coding-DNA position 4038, one base duplicated (T; older notation c.4038dupT).
Protein change: p.Thr1347fs; shifts the reading frame from threonine 1347.
Molecular consequence: frameshift variant.
Genome position (GRCh38, 1-based): chr14:64,782,518, A duplicated on the plus strand (T on the coding strand, the reverse complement: SPTB is on the minus strand); the first of 3 consecutive A bases (chr14:64,782,518-64,782,520); duplicating any one gives the same sequence. VCF-style (leftmost placement, unchanged base first): chr14-64782517-T-TA. GRCh37 (hg19) VCF-style: chr14-65249235-T-TA.
Other names: c.4038dup, p.Thr1347fs (NM_001024858.4, NM_001355437.2); short protein forms T1347fs.
Identifiers: ClinVar variation 2850000 (VCV002850000.3), dbSNP rs2503104309, ClinGen allele CA2739278474.

ClinVar aggregate classification (germline): Pathogenic (1 of 4 stars; one submission).

Submission:

Labcorp Genetics (formerly Invitae), Labcorp
Classification: Pathogenic. Last evaluated: 2023-05-18. Review status: criteria provided, single submitter. Criteria: Invitae Variant Classification Sherloc (09022015). Collection method: clinical testing. Allele origin: germline.
Comment: For these reasons, this variant has been classified as Pathogenic. This variant has not been reported in the literature in individuals affected with SPTB-related conditions. This variant is not present in population databases (gnomAD no frequency). This sequence change creates a premature translational stop signal (p.Thr1347Tyrfs*44) in the SPTB gene. It is expected to result in an absent or disrupted protein product. Loss-of-function variants in SPTB are known to be pathogenic (PMID: 1391962, 1498324, 8844207, 26830532, 27292444).

Literature cited by the submitters: PubMed 1391962; PubMed 1498324; PubMed 8844207; PubMed 26830532; PubMed 27292444.